The following is an entry in ClinVar:

ClinVar aggregate classification (germline): Uncertain significance. Review status: criteria provided, multiple submitters, no conflicts (2 of 4 stars). 3 submissions from 3 submitters: Uncertain significance (3). Last evaluated 2025-08-10.

Conditions:
Inborn genetic diseases. Identifiers: MedGen C0950123, MeSH D030342.
Kabuki syndrome 2 (KABUK2). Also called: KDM6A-Related Kabuki Syndrome. Identifiers: Orphanet 2322, MedGen C3275495, MONDO:0010465, OMIM 300867.

Allele frequency attached by ClinVar (database versions not stated): gnomAD exomes below 0.00001 and 0.00001; gnomAD 0.00001; TOPMed 0.00004.
gnomAD v4.1: 5 of 1,208,540 alleles (0.00041%); highest among the groups gnomAD compares: Admixed American, 0.0066%; no homozygotes.

Submissions (3):

Labcorp Genetics (formerly Invitae), Labcorp
Classification: Uncertain significance for Kabuki syndrome 2. Last evaluated: 2025-08-10. Review status: criteria provided, single submitter. Criteria: Invitae Variant Classification Sherloc (09022015). Collection method: clinical testing. Allele origin: germline.
Comment: This sequence change replaces glutamine, which is neutral and polar, with leucine, which is neutral and non-polar, at codon 1385 of the KDM6A protein (p.Gln1385Leu). This variant is present in population databases (no rsID available, gnomAD no frequency). This variant has not been reported in the literature in individuals affected with KDM6A-related conditions. ClinVar contains an entry for this variant (Variation ID: 1693342). Invitae Evidence Modeling of protein sequence and biophysical properties (such as structural, functional, and spatial information, amino acid conservation, physicochemical variation, residue mobility, and thermodynamic stability) indicates that this missense variant is not expected to disrupt KDM6A protein function with a negative predictive value of 80%. In summary, the available evidence is currently insufficient to determine the role of this variant in disease. Therefore, it has been classified as a Variant of Uncertain Significance.

Ambry Genetics
Classification: Uncertain significance for Inborn genetic diseases. Last evaluated: 2024-09-26. Review status: criteria provided, single submitter. Criteria: Ambry Variant Classification Scheme 2023. Collection method: clinical testing. Allele origin: germline.

GeneDx
Classification: Uncertain significance. Last evaluated: 2022-06-29. Review status: criteria provided, single submitter. Criteria: GeneDx Variant Classification Process June 2021. Collection method: clinical testing. Allele origin: germline. Affected: yes.
Comment: In silico analysis supports that this missense variant has a deleterious effect on protein structure/function; Has not been previously published as pathogenic or benign to our knowledge

NM_001291415.2(KDM6A):c.4310A>T (p.Gln1437Leu)

Gene: KDM6A (lysine demethylase 6A; plus strand). Cytogenetic location: Xp11.3.
Variant type: single nucleotide variant.
Coding change: c.4310A>T on transcript NM_001291415.2 (MANE Select); coding-DNA position 4310, A replaced by T.
Protein change: p.Gln1437Leu; replaces glutamine 1437 with leucine.
Molecular consequence: missense variant. On other transcripts: non-coding transcript variant (1).
Genome position (GRCh38, 1-based): chrX:45,110,227, A>T. VCF-style: chrX-45110227-A-T. GRCh37 (hg19) VCF-style: chrX-44969472-A-T.
Other names: c.4175A>T, p.Gln1392Leu (NM_001291416.2); c.4019A>T, p.Gln1340Leu (NM_001291417.2); c.3917A>T, p.Gln1306Leu (NM_001291418.2); c.3266A>T, p.Gln1089Leu (NM_001291421.2); c.4154A>T, p.Gln1385Leu (NM_021140.4); short protein forms Q1089L, Q1306L, Q1340L, Q1385L, Q1392L, Q1437L.
Identifiers: ClinVar variation 1693342 (VCV001693342.8), dbSNP rs1472396434, ClinGen allele CA412777626.